The following is an entry in ClinVar:

NM_004181.5(UCHL1):c.459+2T>C

Gene: UCHL1 (ubiquitin C-terminal hydrolase L1; plus strand). Cytogenetic location: 4p13.
Variant type: single nucleotide variant.
Coding change: c.459+2T>C on transcript NM_004181.5 (MANE Select); the canonical splice donor site of the intron after coding-DNA position 459, T replaced by C.
Molecular consequence: splice donor variant.
Genome position (GRCh38, 1-based): chr4:41,261,925, T>C. VCF-style: chr4-41261925-T-C. GRCh37 (hg19) VCF-style: chr4-41263942-T-C.
Identifiers: ClinVar variation 522605 (VCV000522605.3), dbSNP rs1554004931, ClinGen allele CA356733066.

ClinVar aggregate classification (germline): Likely pathogenic (1 of 4 stars; one submission).

Conditions:
Early-onset progressive neurodegeneration-blindness-ataxia-spasticity syndrome. Also called: Spastic paraplegia 79, autosomal recessive; SPASTIC PARAPLEGIA 79B, AUTOSOMAL RECESSIVE. Identifiers: Orphanet 352654, MedGen C3809665, MONDO:0014209, OMIM 615491.

Submission:

Diagnostics Division, CENTRE FOR DNA FINGERPRINTING AND DIAGNOSTICS
Classification: Likely pathogenic for Early-onset progressive neurodegeneration-blindness-ataxia-spasticity syndrome. Last evaluated: 2017-01-01. Review status: criteria provided, single submitter. Criteria: ACMG Guidelines, 2015. Collection method: research. Allele origin: germline. Affected: yes. Observed: 1 homozygote.
Comment: Splice-site variant